The following is an entry in ClinVar:

NM_000143.4(FH):c.268-6_268-5delinsA

Gene: FH (fumarate hydratase; minus strand). Cytogenetic location: 1q43.
Variant type: Indel.
Coding change: c.268-6_268-5delinsA on transcript NM_000143.4 (MANE Select); 6 bases into the intron before coding-DNA position 268 through 5 bases into the intron before coding-DNA position 268, TT replaced by A.
Molecular consequence: intron variant.
Genome position (GRCh38, 1-based): chr1:241,513,718-241,513,719, AA replaced by T on the plus strand (TT replaced by A on the coding strand, the reverse complement: FH is on the minus strand). VCF-style: chr1-241513718-AA-T. GRCh37 (hg19) VCF-style: chr1-241677018-AA-T.
Identifiers: ClinVar variation 4257328 (VCV004257328.1).
Genomic context (GRCh38, chr1:241,513,718, plus strand): 5'-TGGTTTACTTCAGCGGCCGCTCGCTTCAAGATGCCAAAAGCTTTAATAACTGGGGTCTAA[AA>T]TTAATCAGAAAAATATTTCAAATTTACAATTTTACTTAAGCATGGAAGTTTATTATTTTG-3'

ClinVar aggregate classification (germline): Uncertain significance (1 of 4 stars; one submission).

Conditions:
Hereditary cancer-predisposing syndrome. Also called: Hereditary Cancer Syndrome; Hereditary neoplastic syndrome; Neoplastic Syndromes, Hereditary; Tumor predisposition. Identifiers: Orphanet 140162, MedGen C0027672, MeSH D009386, MONDO:0015356.

Submission:

Ambry Genetics
Classification: Uncertain significance for Hereditary cancer-predisposing syndrome. Last evaluated: 2025-06-18. Review status: criteria provided, single submitter. Criteria: Ambry Variant Classification Scheme 2023. Collection method: clinical testing. Allele origin: germline.
Comment: The c.268-6_268-5delTTinsA intronic variant begins 5 nucleotides before coding exon 3 in the FH gene. This variant results from a deletion of two nucleotides and an insertion of one nucleotide at positions c.268-5 to c.268-6. This nucleotide region is well conserved in available vertebrate species. In silico splice site analysis for this alteration is inconclusive. Based on the available evidence, the clinical significance of this variant remains unclear.